The following is an entry in ClinVar:

NM_001286577.2(C2CD3):c.195G>T (p.Trp65Cys)

Gene: C2CD3 (C2 domain containing 3 centriole elongation regulator; minus strand). Cytogenetic location: 11q13.4.
Variant type: single nucleotide variant.
Coding change: c.195G>T on transcript NM_001286577.2 (MANE Select); coding-DNA position 195, G replaced by T.
Protein change: p.Trp65Cys; replaces tryptophan 65 with cysteine.
Molecular consequence: missense variant.
Genome position (GRCh38, 1-based): chr11:74,168,474, C>A on the plus strand (G>T on the coding strand, the complement: C2CD3 is on the minus strand). VCF-style: chr11-74168474-C-A. GRCh37 (hg19) VCF-style: chr11-73879519-C-A.
Other names: c.195G>T, p.Trp65Cys (NM_015531.6); short protein forms W65C.
Identifiers: ClinVar variation 2036491 (VCV002036491.4), dbSNP rs1590991247, ClinGen allele CA381825855.

ClinVar aggregate classification (germline): Pathogenic (1 of 4 stars; one submission).

Submission:

Labcorp Genetics (formerly Invitae), Labcorp
Classification: Pathogenic. Last evaluated: 2022-10-21. Review status: criteria provided, single submitter. Criteria: Invitae Variant Classification Sherloc (09022015). Collection method: clinical testing. Allele origin: germline.
Comment: For these reasons, this variant has been classified as Pathogenic. Advanced modeling of protein sequence and biophysical properties (such as structural, functional, and spatial information, amino acid conservation, physicochemical variation, residue mobility, and thermodynamic stability) performed at Invitae indicates that this missense variant is expected to disrupt C2CD3 protein function. This missense change has been observed in individual(s) with oral-facial-digital syndrome (PMID: 27094867). In at least one individual the data is consistent with being in trans (on the opposite chromosome) from a pathogenic variant. It has also been observed to segregate with disease in related individuals. This variant is not present in population databases (gnomAD no frequency). This sequence change replaces tryptophan, which is neutral and slightly polar, with cysteine, which is neutral and slightly polar, at codon 65 of the C2CD3 protein (p.Trp65Cys).

Literature cited by the submitters: PubMed 27094867.